The following is an entry in ClinVar:

NM_000168.6(GLI3):c.3133G>A (p.Val1045Met)

Gene: GLI3 (GLI family zinc finger 3; minus strand). Cytogenetic location: 7p14.1.
Variant type: single nucleotide variant.
Coding change: c.3133G>A on transcript NM_000168.6 (MANE Select); coding-DNA position 3133, G replaced by A.
Protein change: p.Val1045Met; replaces valine 1045 with methionine.
Molecular consequence: missense variant.
Genome position (GRCh38, 1-based): chr7:41,965,940, C>T on the plus strand (G>A on the coding strand, the complement: GLI3 is on the minus strand). VCF-style: chr7-41965940-C-T. GRCh37 (hg19) VCF-style: chr7-42005538-C-T.
Other names: short protein forms V1045M.
Identifiers: ClinVar variation 1016249 (VCV001016249.8), dbSNP rs1166711228, ClinGen allele CA367319094.

ClinVar aggregate classification (germline): Uncertain significance (1 of 4 stars; one submission).

Conditions:
Pallister-Hall syndrome (PHS). Also called: HYPOTHALAMIC HAMARTOBLASTOMA, HYPOPITUITARISM, IMPERFORATE ANUS, AND POSTAXIAL POLYDACTYLY; GLI3-Related Pallister-Hall Syndrome. Identifiers: Orphanet 672, MedGen C0265220, MONDO:0007804, OMIM 146510.
Greig cephalopolysyndactyly syndrome (GCPS). Also called: GLI3-Related Greig Cephalopolysyndactyly Syndrome; POLYSYNDACTYLY WITH PECULIAR SKULL SHAPE; Greig syndrome. Identifiers: Orphanet 380, MedGen C0265306, MONDO:0008287, OMIM 175700.

Allele frequency attached by ClinVar (database versions not stated): gnomAD 0.00001; TOPMed 0.00002.
gnomAD v4.1: 3 of 1,612,470 alleles (0.00019%); highest among the groups gnomAD compares: African/African-American, 0.0013%; no homozygotes.

Submission:

Labcorp Genetics (formerly Invitae), Labcorp
Classification: Uncertain significance for Pallister-Hall syndrome; Greig cephalopolysyndactyly syndrome. Last evaluated: 2020-06-12. Review status: criteria provided, single submitter. Criteria: Invitae Variant Classification Sherloc (09022015). Collection method: clinical testing. Allele origin: germline.
Comment: This variant has not been reported in the literature in individuals with GLI3-related conditions. This sequence change replaces valine with methionine at codon 1045 of the GLI3 protein (p.Val1045Met). The valine residue is highly conserved and there is a small physicochemical difference between valine and methionine. This variant is not present in population databases (ExAC no frequency). Algorithms developed to predict the effect of missense changes on protein structure and function are either unavailable or do not agree on the potential impact of this missense change (SIFT: "Deleterious"; PolyPhen-2: "Possibly Damaging"; Align-GVGD: "Class C0"). In summary, the available evidence is currently insufficient to determine the role of this variant in disease. Therefore, it has been classified as a Variant of Uncertain Significance.